The following is an entry in ClinVar:

ClinVar aggregate classification (germline): Uncertain significance. Review status: criteria provided, multiple submitters, no conflicts (2 of 4 stars). 2 submissions from 2 submitters: Uncertain significance (2). Last evaluated 2024-01-08.

Conditions:
Inborn genetic diseases. Identifiers: MedGen C0950123, MeSH D030342.

Allele frequency attached by ClinVar (database versions not stated): gnomAD exomes below 0.00001.
gnomAD v4.1: 2 of 1,613,102 alleles (0.00012%); no homozygotes.

Submissions (2):

Ambry Genetics
Classification: Uncertain significance for Inborn genetic diseases. Last evaluated: 2024-01-08. Review status: criteria provided, single submitter. Criteria: Ambry Variant Classification Scheme 2023. Collection method: clinical testing. Allele origin: germline.

Labcorp Genetics (formerly Invitae), Labcorp
Classification: Uncertain significance. Last evaluated: 2022-06-17. Review status: criteria provided, single submitter. Criteria: Invitae Variant Classification Sherloc (09022015). Collection method: clinical testing. Allele origin: germline.
Comment: In summary, the available evidence is currently insufficient to determine the role of this variant in disease. Therefore, it has been classified as a Variant of Uncertain Significance. Algorithms developed to predict the effect of missense changes on protein structure and function (SIFT, PolyPhen-2, Align-GVGD) all suggest that this variant is likely to be tolerated. This variant has not been reported in the literature in individuals affected with ASPM-related conditions. This variant is not present in population databases (gnomAD no frequency). This sequence change replaces threonine, which is neutral and polar, with isoleucine, which is neutral and non-polar, at codon 3382 of the ASPM protein (p.Thr3382Ile).

NM_018136.5(ASPM):c.10145C>T (p.Thr3382Ile)

Gene: ASPM (assembly factor for spindle microtubules; minus strand). Cytogenetic location: 1q31.3.
Variant type: single nucleotide variant.
Coding change: c.10145C>T on transcript NM_018136.5 (MANE Select); coding-DNA position 10145, C replaced by T.
Protein change: p.Thr3382Ile; replaces threonine 3382 with isoleucine.
Molecular consequence: missense variant.
Genome position (GRCh38, 1-based): chr1:197,088,272, G>A on the plus strand (C>T on the coding strand, the complement: ASPM is on the minus strand). VCF-style: chr1-197088272-G-A. GRCh37 (hg19) VCF-style: chr1-197057402-G-A.
Other names: c.5390C>T, p.Thr1797Ile (NM_001206846.2); short protein forms T3382I, T1797I.
Identifiers: ClinVar variation 2053391 (VCV002053391.5), dbSNP rs2527254930, ClinGen allele CA343997339.